The following is an entry in ClinVar:

NM_020987.5(ANK3):c.11111A>C (p.Lys3704Thr)

Gene: ANK3 (ankyrin 3; minus strand). Cytogenetic location: 10q21.2.
Variant type: single nucleotide variant.
Coding change: c.11111A>C on transcript NM_020987.5 (MANE Select); coding-DNA position 11111, A replaced by C.
Protein change: p.Lys3704Thr; replaces lysine 3704 with threonine.
Molecular consequence: missense variant. On other transcripts: intron variant (4).
Genome position (GRCh38, 1-based): chr10:60,069,770, T>G on the plus strand (A>C on the coding strand, the complement: ANK3 is on the minus strand). VCF-style: chr10-60069770-T-G. GRCh37 (hg19) VCF-style: chr10-61829528-T-G.
Other names: c.4388-1761A>C (NM_001204403.2); c.4409-1761A>C (NM_001204404.2); c.4406-1761A>C (NM_001320874.2); c.1808-1761A>C (NM_001149.4); short protein forms K3704T.
Identifiers: ClinVar variation 2640488 (VCV002640488.24), dbSNP rs1486052966, ClinGen allele CA376997675.

ClinVar aggregate classification (germline): Uncertain significance (1 of 4 stars; one submission).

gnomAD v4.1: 2 of 1,613,954 alleles (0.00012%); highest among the groups gnomAD compares: Non-Finnish European, 0.000085%; no homozygotes.

Submission:

CeGaT Center for Human Genetics Tuebingen
Classification: Uncertain significance. Last evaluated: 2022-04-01. Review status: criteria provided, single submitter. Criteria: CeGaT Center For Human Genetics Tuebingen Variant Classification Criteria Version 2. Collection method: clinical testing. Allele origin: germline. Affected: yes. Observed: 1 variant allele.
Comment: ANK3: PM2, BP4